The following is an entry in ClinVar:

NM_006885.4(ZFHX3):c.2322G>A (p.Ala774=)

Gene: ZFHX3 (zinc finger homeobox 3; minus strand). Cytogenetic location: 16q22.3.
Variant type: single nucleotide variant.
Coding change: c.2322G>A on transcript NM_006885.4 (MANE Select); coding-DNA position 2322, G replaced by A.
Protein change: p.Ala774=; no amino-acid change (alanine 774 retained).
Molecular consequence: synonymous variant. On other transcripts: intron variant (1).
Genome position (GRCh38, 1-based): chr16:72,957,824, C>T on the plus strand (G>A on the coding strand, the complement: ZFHX3 is on the minus strand). VCF-style: chr16-72957824-C-T. GRCh37 (hg19) VCF-style: chr16-72991723-C-T.
Other names: c.2322G>A, p.Ala774= (NM_001386735.1); c.-23-6859G>A (NM_001164766.2).
Identifiers: ClinVar variation 4821016 (VCV004821016.4).

ClinVar aggregate classification (germline): Likely benign (1 of 4 stars; one submission).

gnomAD v4.1: 325 of 1,607,566 alleles (0.02%); highest among the groups gnomAD compares: South Asian, 0.28%; 1 homozygote.

Submission:

CeGaT Center for Human Genetics Tuebingen
Classification: Likely benign. Last evaluated: 2026-03-01. Review status: criteria provided, single submitter. Criteria: CeGaT Center For Human Genetics Tuebingen Variant Classification Criteria Version 2. Collection method: clinical testing. Allele origin: germline. Affected: yes. Observed: 1 variant allele.
Comment: ZFHX3: BP4, BP7